The following is an entry in ClinVar:

ClinVar aggregate classification (germline): Pathogenic. Review status: criteria provided, multiple submitters, no conflicts (2 of 4 stars). 6 submissions from 6 submitters: Pathogenic (6). Last evaluated 2024-04-09.

Conditions:
Lynch syndrome 5 (LYNCH5). Also called: Hereditary non-polyposis colorectal cancer, type 5; Colorectal cancer, hereditary nonpolyposis, type 5. Identifiers: Orphanet 144, MedGen C1833477, MONDO:0013710, OMIM 614350. Disease mechanism: loss of function.
Hereditary cancer-predisposing syndrome. Also called: Hereditary Cancer Syndrome; Neoplastic Syndromes, Hereditary; Hereditary neoplastic syndrome; Tumor predisposition. Identifiers: Orphanet 140162, MedGen C0027672, MeSH D009386, MONDO:0015356.
Hereditary nonpolyposis colorectal neoplasms. Identifiers: MedGen C0009405, MeSH D003123.

Submissions (6):

Molecular Pathology, Peter Maccallum Cancer Centre
Classification: Pathogenic for Lynch syndrome 5. Last evaluated: 2024-04-09. Review status: criteria provided, single submitter. Criteria: ACMG Guidelines, 2015. Collection method: clinical testing. Allele origin: germline. Inheritance: Autosomal dominant inheritance.

Ambry Genetics
Classification: Pathogenic for Hereditary cancer-predisposing syndrome. Last evaluated: 2024-02-07. Review status: criteria provided, single submitter. Criteria: Ambry Variant Classification Scheme 2023. Collection method: clinical testing. Allele origin: germline.
Comment: The c.1871delG pathogenic mutation, located in coding exon 4 of the MSH6 gene, results from a deletion of one nucleotide at nucleotide position 1871, causing a translational frameshift with a predicted alternate stop codon (p.G624Afs*11). While this exact alteration has not been reported in the literature, a different alteration, c.1869delC, resulting in the same stop codon has been detected in a family from the Netherlands affected with Lynch syndrome (Baglietto L et al. J. Natl. Cancer Inst., 2010 Feb;102:193-201). In addition to the clinical data presented in the literature, this alteration is expected to result in loss of function by premature protein truncation or nonsense-mediated mRNA decay. As such, this alteration is interpreted as a disease-causing mutation.

Myriad Genetics, Inc.
Classification: Pathogenic for Lynch syndrome 5. Last evaluated: 2023-08-16. Review status: criteria provided, single submitter. Criteria: Myriad Autosomal Dominant, Autosomal Recessive and X-Linked Classification Criteria (2023). Collection method: clinical testing. Allele origin: unknown.
Comment: This variant is considered pathogenic. This variant creates a frameshift predicted to result in premature protein truncation.

Labcorp Genetics (formerly Invitae), Labcorp
Classification: Pathogenic for Hereditary nonpolyposis colorectal neoplasms. Last evaluated: 2022-07-01. Review status: criteria provided, single submitter. Criteria: Invitae Variant Classification Sherloc (09022015). Collection method: clinical testing. Allele origin: germline.
Comment: For these reasons, this variant has been classified as Pathogenic. ClinVar contains an entry for this variant (Variation ID: 428321). This variant has not been reported in the literature in individuals affected with MSH6-related conditions. This variant is present in population databases (rs777159874, gnomAD 0.0009%). This sequence change creates a premature translational stop signal (p.Gly624Alafs*11) in the MSH6 gene. It is expected to result in an absent or disrupted protein product. Loss-of-function variants in MSH6 are known to be pathogenic (PMID: 18269114, 24362816).

Color Diagnostics, LLC DBA Color Health
Classification: Pathogenic for Hereditary cancer-predisposing syndrome. Last evaluated: 2021-12-28. Review status: criteria provided, single submitter. Criteria: ACMG Guidelines, 2015. Collection method: clinical testing. Allele origin: germline.
Comment: This variant deletes 1 nucleotide in exon 4 of the MSH6 gene, creating a frameshift and premature translation stop signal. This variant is expected to result in an absent or non-functional protein product. To our knowledge, this variant has not been reported in individuals affected with hereditary cancer in the literature, although a different variant with the same protein consequence (1869delC, p.G624fsA*11) has been reported in an individual with colorectal cancer (PMID: 20028993). This variant has been identified in 1/250400 chromosomes in the general population by the Genome Aggregation Database (gnomAD). Loss of MSH6 function is a known mechanism of disease. Based on the available evidence, this variant is classified as Pathogenic.

Genetic Services Laboratory, University of Chicago
Classification: Pathogenic for Colorectal cancer, hereditary nonpolyposis, type 5. Last evaluated: 2017-01-27. Review status: criteria provided, single submitter. Criteria: ACMG Guidelines, 2015. Collection method: clinical testing. Allele origin: germline. Affected: yes.

Literature cited by the submitters: PubMed 20028993 (cited by Ambry Genetics and Color Diagnostics, LLC DBA Color Health); PubMed 18269114 (cited by Labcorp Genetics (formerly Invitae), Labcorp); PubMed 24362816 (cited by Labcorp Genetics (formerly Invitae), Labcorp).

NM_000179.3(MSH6):c.1871del (p.Gly624fs)

Gene: MSH6 (mutS homolog 6; plus strand). Cytogenetic location: 2p16.3.
Variant type: Deletion.
Coding change: c.1871del on transcript NM_000179.3 (MANE Select); coding-DNA position 1871, one base deleted (G; older notation c.1871delG).
Protein change: p.Gly624fs; shifts the reading frame from glycine 624.
Molecular consequence: frameshift variant.
Genome position (GRCh38, 1-based): chr2:47,799,854, G deleted; the last of 2 consecutive G bases (chr2:47,799,853-47,799,854); deleting either gives the same sequence. VCF-style (leftmost placement, unchanged base first): chr2-47799852-CG-C. GRCh37 (hg19) VCF-style: chr2-48026991-CG-C.
Other names: c.1481del, p.Gly494fs (NM_001281492.2); c.965del, p.Gly322fs (NM_001281493.2, NM_001281494.2); c.1871delG (NM_000179.2); short protein forms G494fs, G322fs.
Identifiers: ClinVar variation 428321 (VCV000428321.22), dbSNP rs777159874, ClinGen allele CA068216.